The following is an entry in ClinVar:

NM_000089.4(COL1A2):c.2320G>T (p.Ala774Ser)

Gene: COL1A2 (collagen type I alpha 2 chain; plus strand). Cytogenetic location: 7q21.3.
Variant type: single nucleotide variant.
Coding change: c.2320G>T on transcript NM_000089.4 (MANE Select); coding-DNA position 2320, G replaced by T.
Protein change: p.Ala774Ser; replaces alanine 774 with serine.
Molecular consequence: missense variant.
Genome position (GRCh38, 1-based): chr7:94,421,033, G>T. VCF-style: chr7-94421033-G-T. GRCh37 (hg19) VCF-style: chr7-94050345-G-T.
Other names: c.2320G>T (NM_000089.3); short protein forms A774S.
Identifiers: ClinVar variation 993709 (VCV000993709.10), dbSNP rs1584326654, ClinGen allele CA368223697.

ClinVar aggregate classification (germline): Uncertain significance. Review status: criteria provided, multiple submitters, no conflicts (2 of 4 stars). 3 submissions from 3 submitters: Uncertain significance (3). Last evaluated 2026-07-10.

Conditions:
Ehlers-Danlos syndrome, classic type, 1 (EDSCL1). Also called: Ehlers-Danlos syndrome, type 1; EDS I; EHLERS-DANLOS SYNDROME, GRAVIS TYPE; EHLERS-DANLOS SYNDROME, SEVERE CLASSIC TYPE; Ehlers-Danlos Syndrome, Classic Type, COL5A1-Related. Identifiers: MedGen C0268335, MONDO:0019567, OMIM 130000.
Osteogenesis imperfecta type I (OI1). Also called: OI, TYPE I; OSTEOGENESIS IMPERFECTA TARDA; OSTEOGENESIS IMPERFECTA WITH BLUE SCLERAE; Lobstein's Disease; Lobstein disease; Classic Non-deforming Osteogenesis Imperfecta with Blue Sclerae. Identifiers: Orphanet 216796, Orphanet 666, MedGen C0023931, MONDO:0008146, OMIM 166200. Disease mechanism: loss of function.
Cardiovascular phenotype. Identifiers: MedGen CN230736.

gnomAD v4.1: 1 of 1,614,160 alleles (0.000062%); highest among the groups gnomAD compares: Non-Finnish European, 0.000085%; no homozygotes.

Submissions (3):

Ambry Genetics
Classification: Uncertain significance for Cardiovascular phenotype. Last evaluated: 2026-07-10. Review status: criteria provided, single submitter. Criteria: Ambry Variant Classification Scheme 2023. Collection method: clinical testing. Allele origin: germline.
Comment: The p.A774S variant (also known as c.2320G>T), located in coding exon 38 of the COL1A2 gene, results from a G to T substitution at nucleotide position 2320. The alanine at codon 774 is replaced by serine, an amino acid with similar properties. This amino acid position is conserved. In addition, this alteration is predicted to be tolerated by in silico analysis. Based on the available evidence, the clinical significance of this variant remains unclear.

Labcorp Genetics (formerly Invitae), Labcorp
Classification: Uncertain significance for Osteogenesis imperfecta type I; Ehlers-Danlos syndrome, classic type, 1. Last evaluated: 2025-05-30. Review status: criteria provided, single submitter. Criteria: Invitae Variant Classification Sherloc (09022015). Collection method: clinical testing. Allele origin: germline.
Comment: This sequence change replaces alanine, which is neutral and non-polar, with serine, which is neutral and polar, at codon 774 of the COL1A2 protein (p.Ala774Ser). This variant is not present in population databases (gnomAD no frequency). This variant has not been reported in the literature in individuals affected with COL1A2-related conditions. ClinVar contains an entry for this variant (Variation ID: 993709). Invitae Evidence Modeling of protein sequence and biophysical properties (such as structural, functional, and spatial information, amino acid conservation, physicochemical variation, residue mobility, and thermodynamic stability) indicates that this missense variant is not expected to disrupt COL1A2 protein function with a negative predictive value of 95%. In summary, the available evidence is currently insufficient to determine the role of this variant in disease. Therefore, it has been classified as a Variant of Uncertain Significance.

ARUP Laboratories, Molecular Genetics and Genomics, ARUP Laboratories
Classification: Uncertain significance. Last evaluated: 2019-07-28. Review status: criteria provided, single submitter. Criteria: ARUP Molecular Germline Variant Investigation Process. Collection method: clinical testing. Allele origin: germline.
Comment: The COL1A2 c.2320G>T; p.Ala774Ser variant, to our knowledge, is not reported in the medical literature but is reported in the LOVD database (see link). This variant is absent from general population databases (Exome Variant Server, Genome Aggregation Database), indicating it is not a common polymorphism. The alanine at codon 774 is moderately conserved, and computational analyses (SIFT: damaging, PolyPhen-2: benign) predict conflicting effects of this variant on protein structure/function. Due to limited information, the clinical significance of this variant is uncertain at this time.